The following is an entry in ClinVar:

NM_001104631.2(PDE4D):c.1189-9dup

Gene: PDE4D (phosphodiesterase 4D; minus strand). Cytogenetic location: 5q11.2.
Variant type: Duplication.
Coding change: c.1189-9dup on transcript NM_001104631.2 (MANE Select); 9 bases into the intron before coding-DNA position 1189, one base duplicated (T; older notation c.1189-9dupT).
Molecular consequence: intron variant.
Genome position (GRCh38, 1-based): chr5:58,990,911, A duplicated on the plus strand (T on the coding strand, the reverse complement: PDE4D is on the minus strand); the first of 13 consecutive A bases (chr5:58,990,911-58,990,923); duplicating any one gives the same sequence. VCF-style (leftmost placement, unchanged base first): chr5-58990910-G-GA. GRCh37 (hg19) VCF-style: chr5-58286737-G-GA.
Other names: c.1006-9dup (NM_001364599.1, NM_001165899.2); c.421-9dup (NM_001349243.2, NM_001364604.1); c.976-9dup (NM_001349241.2); c.997-9dup (NM_001197218.2); c.283-9dup (NM_001364603.1, NM_001197221.2); c.781-9dup (NM_006203.5); c.859-9dup (NM_001349242.2); c.823-9dup (NM_001197219.2); and 3 more.
Identifiers: ClinVar variation 353994 (VCV000353994.16), dbSNP rs368587062, ClinGen allele CA3276124.

ClinVar aggregate classification (germline): Conflicting classifications of pathogenicity. Review status: criteria provided, conflicting classifications (1 of 4 stars). 3 submissions from 3 submitters: Uncertain significance (1); Benign (2). Last evaluated 2026-02-04.

Conditions:
Acrodysostosis 2 with or without hormone resistance. Also called: ACRODYSOSTOSIS 2 WITH HORMONE RESISTANCE; ACRODYSOSTOSIS 2 WITHOUT HORMONE RESISTANCE. Identifiers: Orphanet 280651, MedGen C3553250, MONDO:0013822, OMIM 614613.

Submissions (3):

Labcorp Genetics (formerly Invitae), Labcorp
Classification: Benign. Last evaluated: 2026-02-04. Review status: criteria provided, single submitter. Criteria: Invitae Variant Classification Sherloc (09022015). Collection method: clinical testing. Allele origin: germline.

GeneDx
Classification: Benign. Last evaluated: 2019-10-05. Review status: criteria provided, single submitter. Criteria: GeneDx Variant Classification Process June 2021. Collection method: clinical testing. Allele origin: germline. Affected: yes.

Juno Genomics, Hangzhou Juno Genomics, Inc
Classification: Uncertain significance for Acrodysostosis 2 with or without hormone resistance. Review status: criteria provided, single submitter. Criteria: ACMG Guidelines, 2015. Collection method: clinical testing. Allele origin: germline.
Comment: Absent from controls (or at extremely low frequency if recessive) in Genome Aggregation Database.